The following is an entry in ClinVar:

ClinVar aggregate classification (germline): Uncertain significance. Review status: criteria provided, multiple submitters, no conflicts (2 of 4 stars). 2 submissions from 2 submitters: Uncertain significance (2). Last evaluated 2022-07-13.

Conditions:
Inborn genetic diseases. Identifiers: MedGen C0950123, MeSH D030342.
Bethlem myopathy 1A. Also called: MYOPATHY, BENIGN CONGENITAL, WITH CONTRACTURES; Bethlem myopathy 1; Bethlem Muscular Dystrophy. Identifiers: Orphanet 610, MedGen CN029274, MONDO:0024530, OMIM 158810.

Allele frequency attached by ClinVar (database versions not stated): TOPMed below 0.00001.

Submissions (2):

Labcorp Genetics (formerly Invitae), Labcorp
Classification: Uncertain significance for Bethlem myopathy 1A. Last evaluated: 2022-07-13. Review status: criteria provided, single submitter. Criteria: Invitae Variant Classification Sherloc (09022015). Collection method: clinical testing. Allele origin: germline.
Comment: In summary, the available evidence is currently insufficient to determine the role of this variant in disease. Therefore, it has been classified as a Variant of Uncertain Significance. This sequence change replaces leucine, which is neutral and non-polar, with isoleucine, which is neutral and non-polar, at codon 2533 of the COL6A3 protein (p.Leu2533Ile). This variant is not present in population databases (gnomAD no frequency). This variant has not been reported in the literature in individuals affected with COL6A3-related conditions. Advanced modeling of protein sequence and biophysical properties (such as structural, functional, and spatial information, amino acid conservation, physicochemical variation, residue mobility, and thermodynamic stability) performed at Invitae indicates that this missense variant is not expected to disrupt COL6A3 protein function.

Ambry Genetics
Classification: Uncertain significance for Inborn genetic diseases. Last evaluated: 2021-11-12. Review status: criteria provided, single submitter. Criteria: Ambry Variant Classification Scheme 2023. Collection method: clinical testing. Allele origin: germline.

NM_004369.4(COL6A3):c.7597C>A (p.Leu2533Ile)

Gene: COL6A3 (collagen type VI alpha 3 chain; minus strand). Cytogenetic location: 2q37.3.
Variant type: single nucleotide variant.
Coding change: c.7597C>A on transcript NM_004369.4 (MANE Select); coding-DNA position 7597, C replaced by A.
Protein change: p.Leu2533Ile; replaces leucine 2533 with isoleucine.
Molecular consequence: missense variant.
Genome position (GRCh38, 1-based): chr2:237,344,421, G>T on the plus strand (C>A on the coding strand, the complement: COL6A3 is on the minus strand). VCF-style: chr2-237344421-G-T. GRCh37 (hg19) VCF-style: chr2-238253064-G-T.
Other names: c.5776C>A, p.Leu1926Ile (NM_057166.5); c.6979C>A, p.Leu2327Ile (NM_057167.4); short protein forms L1926I, L2327I, L2533I.
Identifiers: ClinVar variation 2000262 (VCV002000262.5), dbSNP rs1294341659, ClinGen allele CA351201876.
Genomic context (GRCh38, chr2:237,344,421, plus strand): 5'-TGATGAGCTGCCGGTCTTCCTGCCTTGTAAGGAACAAGGGGGTGATCCCCGCATCTGAGA[G>T]CTTGAGCACAGCCTCTCTGAGCTGTGGGGATGCTCTTGTGGGTGTGTTGCTGAAGAAAAC-3'
Protein context (NP_004360.2, residues 2523-2543): SPQLREAVLK[Leu2533Ile]SDAGITPLFL